The following is an entry in ClinVar:

ClinVar aggregate classification (germline): Benign (0 of 4 stars; one submission).

Conditions:
SYNM-related disorder. Also called: SYNM-related condition.

Allele frequency attached by ClinVar (database versions not stated): 1000 Genomes Project 30x 0.00281; 1000 Genomes Project 0.00300; ExAC 0.01188.
gnomAD v4.1: 914 of 1,403,160 alleles (0.065%); highest among the groups gnomAD compares: South Asian, 1.2%; 13 homozygotes.

Submission:

PreventionGenetics, part of Exact Sciences
Classification: Benign for SYNM-related condition. Last evaluated: 2021-03-08. Review status: no assertion criteria provided. Collection method: clinical testing. Allele origin: germline.
Comment: This variant is classified as benign based on ACMG/AMP sequence variant interpretation guidelines (Richards et al. 2015 PMID: 25741868, with internal and published modifications).

NM_145728.3(SYNM):c.258C>T (p.Asp86=)

Genes: SYNM (synemin; plus strand), SYNM-AS1 (SYNM antisense RNA 1; minus strand), LOC130058014 (ATAC-STARR-seq lymphoblastoid silent region 6864; plus strand). Cytogenetic location: 15q26.3.
Variant type: single nucleotide variant.
Coding change: c.258C>T on transcript NM_145728.3 (MANE Select); coding-DNA position 258, C replaced by T.
Protein change: p.Asp86=; no amino-acid change (aspartic acid 86 retained).
Molecular consequence: synonymous variant.
Genome position (GRCh38, 1-based): chr15:99,105,457, C>T. VCF-style: chr15-99105457-C-T. GRCh37 (hg19) VCF-style: chr15-99645663-C-T.
Other names: c.258C>T, p.Asp86= (NM_015286.6).
Identifiers: ClinVar variation 3054562 (VCV003054562.2), dbSNP rs547514507, ClinGen allele CA7753275.
Genomic context (GRCh38, chr15:99,105,457, plus strand): 5'-CTTGCGGCAGCAGCTGGACGAGCTGAGCTGGGCCACTGCGCTGGCGGAGGGCGAGCGGGA[C>T]GCTCTGCGGCGCGAGCTGCGGGAGCTGCAGCGCCTGGATGCGGAGGAGCGCGCCGCCCGC-3'
Protein context (NP_663780.2, residues 76-96): WATALAEGER[Asp86=]ALRRELRELQ